The following is an entry in ClinVar:

NM_000334.4(SCN4A):c.3403C>T (p.Arg1135Cys)

Genes: GH-LCR (growth hormone locus control region; plus strand), SCN4A (sodium voltage-gated channel alpha subunit 4; minus strand). Cytogenetic location: 17q23.3.
Variant type: single nucleotide variant.
Coding change: c.3403C>T on transcript NM_000334.4 (MANE Select); coding-DNA position 3403, C replaced by T.
Protein change: p.Arg1135Cys; replaces arginine 1135 with cysteine.
Molecular consequence: missense variant.
Genome position (GRCh38, 1-based): chr17:63,947,083, G>A on the plus strand (C>T on the coding strand, the complement: SCN4A is on the minus strand). VCF-style: chr17-63947083-G-A. GRCh37 (hg19) VCF-style: chr17-62024443-G-A.
Other names: short protein forms R1135C.
Identifiers: ClinVar variation 2435732 (VCV002435732.9), dbSNP rs1287863349, ClinGen allele CA400619401.

ClinVar aggregate classification (germline): Pathogenic/Likely pathogenic. Review status: criteria provided, multiple submitters, no conflicts (2 of 4 stars). 4 submissions from 4 submitters: Pathogenic (1); Likely pathogenic (3). Last evaluated 2025-12-18.

Conditions:
Congenital myopathy 22A, classic (CMYO22A). Identifiers: MedGen C5830453, MONDO:0957247, OMIM 620351.
Hyperkalemic periodic paralysis. Also called: Familial hyperkalemic periodic paralysis; Gamstorp disease. Identifiers: Orphanet 682, MedGen C0238357, MONDO:0008224, OMIM 170500, HP:0007215.

Allele frequency attached by ClinVar (database versions not stated): gnomAD 0.00001; gnomAD exomes 0.00001; TOPMed 0.00002.
gnomAD v4.1: 18 of 1,500,156 alleles (0.0012%); highest among the groups gnomAD compares: Middle Eastern, 0.018%; no homozygotes.

Submissions (4):

3billion
Classification: Pathogenic for Congenital myopathy 22A, classic. Last evaluated: 2025-12-18. Review status: criteria provided, single submitter. Criteria: ACMG Guidelines, 2015. Collection method: clinical testing. Allele origin: germline. Affected: yes.
Comment: The variant is observed at an extremely low frequency in the gnomAD v4.1.0 dataset (total allele frequency: 0.001%). Predicted Consequence/Location: Missense variant Functional studies provide strong evidence of the variant having a damaging effect on the gene or gene product (PMID: 24549961). In silico tool predictions suggest damaging effect of the variant on gene or gene product [REVEL: 0.94 (>=0.6, sensitivity 0.68 and specificity 0.92)]. The same nucleotide change resulting in the same amino acid change has been previously reported as pathogenic/likely pathogenic with strong evidence (ClinVar ID: VCV002435732 /PMID: 24549961). The variant has been reported to be in trans with a pathogenic variant as either compound heterozygous or homozygous in at least one similarly affected unrelated individual (PMID: 26700687). Different missense changes at the same codon (p.Arg1135His, p.Arg1135Ser) have been reported as pathogenic/likely pathogenic with strong evidence (ClinVar ID: VCV000143201, VCV000870587 /PMID: 19118277, 39333051). Therefore, this variant is classified as Pathogenic according to the recommendation of ACMG/AMP guideline.

Labcorp Genetics (formerly Invitae), Labcorp
Classification: Likely pathogenic for Hyperkalemic periodic paralysis. Last evaluated: 2025-07-22. Review status: criteria provided, single submitter. Criteria: Invitae Variant Classification Sherloc (09022015). Collection method: clinical testing. Allele origin: germline.
Comment: This sequence change replaces arginine, which is basic and polar, with cysteine, which is neutral and slightly polar, at codon 1135 of the SCN4A protein (p.Arg1135Cys). This variant is present in population databases (no rsID available, gnomAD 0.002%). This missense change has been observed in individual(s) with clinical features of autosomal recessive congenital myopathy and/or clinical features of hypokalemic periodic paralysis (PMID: 24549961, 26700687). ClinVar contains an entry for this variant (Variation ID: 2435732). Invitae Evidence Modeling of protein sequence and biophysical properties (such as structural, functional, and spatial information, amino acid conservation, physicochemical variation, residue mobility, and thermodynamic stability) indicates that this missense variant is expected to disrupt SCN4A protein function with a positive predictive value of 95%. Experimental studies have shown that this missense change affects SCN4A function (PMID: 24549961). In summary, the currently available evidence indicates that the variant is pathogenic, but additional data are needed to prove that conclusively. Therefore, this variant has been classified as Likely Pathogenic.

Revvity Omics, Revvity
Classification: Likely pathogenic. Last evaluated: 2025-03-31. Review status: criteria provided, single submitter. Criteria: ACMG Guidelines, 2015. Collection method: clinical testing. Allele origin: germline.

Juno Genomics, Hangzhou Juno Genomics, Inc
Classification: Likely pathogenic for Congenital myopathy 22A, classic. Review status: criteria provided, single submitter. Criteria: ACMG Guidelines, 2015. Collection method: clinical testing. Allele origin: germline. Affected: yes.
Comment: Absent from controls (or at extremely low frequency if recessive) in Genome Aggregation Database, Exome Sequencing Project, 1000 Genomes Project, or Exome Aggregation Consortium.;For recessive disorders, detected in trans with a pathogenic variant.;Patient's phenotype or family history is highly specific for a disease with a single genetic etiology.;Well-established in vitro or in vivo functional studies supportive of a damaging effect on the gene or gene product.;Novel missense change at an amino acid residue where a different missense change determined to be pathogenic has been seen before.

Literature cited by the submitters: PubMed 19118277 (cited by 3billion); PubMed 24549961 (cited by 3billion and Labcorp Genetics (formerly Invitae), Labcorp); PubMed 26700687 (cited by 3billion and Labcorp Genetics (formerly Invitae), Labcorp).